The following is an entry in ClinVar:

ClinVar aggregate classification (germline): Uncertain significance (1 of 4 stars; one submission).

Conditions:
Polycystic kidney disease, adult type (PKD1). Also called: Polycystic Kidney, Autosomal Dominant; POLYCYSTIC KIDNEY DISEASE, ADULT, TYPE I; Polycystic Kidney Disease 1, Autosomal Dominant; Polycystic kidney disease 1; Polycystic kidney disease 1, severe; POLYCYSTIC KIDNEY DISEASE 1 WITH OR WITHOUT POLYCYSTIC LIVER DISEASE. Identifiers: MedGen C3149841, MONDO:0008263, OMIM 173900.

Submission:

MVZ Medizinische Genetik Mainz
Classification: Uncertain significance for Polycystic kidney disease, adult type. Last evaluated: 2026-08-28. Review status: criteria provided, single submitter. Criteria: UK Practice Guidelines For Variant Classification V4 01 2020. Collection method: clinical testing. Allele origin: germline. Inheritance: Autosomal dominant inheritance. Affected: yes. Observed: 1 variant allele.
Comment: ACMG Criteria: PM2_SUP,PM5_SUP,PP3,PP4

NM_001009944.3(PKD1):c.6703T>C (p.Ser2235Pro)

Gene: PKD1 (polycystin 1, transient receptor potential channel interacting; minus strand). Cytogenetic location: 16p13.3.
Variant type: single nucleotide variant.
Coding change: c.6703T>C on transcript NM_001009944.3 (MANE Select); coding-DNA position 6703, T replaced by C.
Protein change: p.Ser2235Pro; replaces serine 2235 with proline.
Molecular consequence: missense variant.
Genome position (GRCh38, 1-based): chr16:2,108,464, A>G on the plus strand (T>C on the coding strand, the complement: PKD1 is on the minus strand). VCF-style: chr16-2108464-A-G. GRCh37 (hg19) VCF-style: chr16-2158465-A-G.
Other names: c.6703T>C, p.Ser2235Pro (NM_000296.4); short protein forms S2235P.
Identifiers: ClinVar variation 5010163 (VCV005010163.1).